The following is an entry in ClinVar:

NM_001110556.2(FLNA):c.3756G>A (p.Ala1252=)

Gene: FLNA (filamin A; minus strand). Cytogenetic location: Xq28.
Variant type: single nucleotide variant.
Coding change: c.3756G>A on transcript NM_001110556.2 (MANE Select); coding-DNA position 3756, G replaced by A.
Protein change: p.Ala1252=; no amino-acid change (alanine 1252 retained).
Molecular consequence: synonymous variant.
Genome position (GRCh38, 1-based): chrX:154,360,039, C>T on the plus strand (G>A on the coding strand, the complement: FLNA is on the minus strand). VCF-style: chrX-154360039-C-T. GRCh37 (hg19) VCF-style: chrX-153588407-C-T.
Other names: p.Ala1252=; c.3756G>A (NM_001110556.1); c.3756G>A, p.Ala1252= (NM_001456.4).
Identifiers: ClinVar variation 264213 (VCV000264213.29), dbSNP rs186619828, ClinGen allele CA10560665.

ClinVar aggregate classification (germline): Benign/Likely benign. Review status: criteria provided, multiple submitters, no conflicts (2 of 4 stars). 12 submissions from 12 submitters: Benign (3); Likely benign (6). 3 of the submissions do not count toward it. Last evaluated 2026-01-27.

Conditions:
FLNA-related disorder.
Melnick-Needles syndrome (MNS). Also called: MELNICK-NEEDLES OSTEODYSPLASTY; OSTEODYSPLASTY OF MELNICK AND NEEDLES; Melnick-Needles Syndrome (FLNA-MNS). Identifiers: Orphanet 2484, MedGen C0025237, MONDO:0010650, OMIM 309350.
Oto-palato-digital syndrome, type II (OPD2). Also called: FACIOPALATOOSSEOUS SYNDROME; OPD II SYNDROME; Otopalatodigital Syndrome Type 2 (FLNA-OPD2); Otopalatodigital Syndrome, Type II. Identifiers: Orphanet 669, Orphanet 90652, MedGen C1844696, MONDO:0010571, OMIM 304120.
Heterotopia, periventricular, X-linked dominant (PVNH1). Also called: PERIVENTRICULAR NODULAR HETEROTOPIA 1; PERIVENTRICULAR NODULAR HETEROTOPIA 4; HETEROTOPIA, PERIVENTRICULAR, 1; X-linked periventricular heterotopia. Identifiers: Orphanet 2149, Orphanet 82004, MedGen C1848213, MONDO:0010233, OMIM 300049.
Frontometaphyseal dysplasia (FMD1). Identifiers: Orphanet 1826, MedGen C0265293, MONDO:0015942.
Familial thoracic aortic aneurysm and aortic dissection (TAAD). Also called: Thoracic aortic aneurysms and dissections. Identifiers: Orphanet 91387, MedGen C4707243, MONDO:0019625.

Allele frequency attached by ClinVar (database versions not stated): ExAC 0.00019; gnomAD exomes 0.00021; gnomAD 0.00022 and 0.00065; 1000 Genomes Project 30x 0.00062; 1000 Genomes Project 0.00079; TOPMed 0.00104.
gnomAD v4.1: 310 of 1,209,865 alleles (0.026%); highest among the groups gnomAD compares: Middle Eastern, 0.16%; 3 homozygotes.

Submissions (12):

Labcorp Genetics (formerly Invitae), Labcorp
Classification: Benign for Oto-palato-digital syndrome, type II; Heterotopia, periventricular, X-linked dominant; Frontometaphyseal dysplasia; Melnick-Needles syndrome. Last evaluated: 2026-01-27. Review status: criteria provided, single submitter. Criteria: Invitae Variant Classification Sherloc (09022015). Collection method: clinical testing. Allele origin: germline.

Molecular Diagnostic Laboratory for Inherited Cardiovascular Disease, Montreal Heart Institute
Classification: Likely benign. Last evaluated: 2025-04-09. Review status: criteria provided, single submitter. Criteria: ACMG Guidelines, 2015. Collection method: clinical testing. Allele origin: germline. Affected: no.
Comment: BS1;BP6;BP7

Mayo Clinic Laboratories, Mayo Clinic
Classification: Benign. Last evaluated: 2025-01-30. Review status: criteria provided, single submitter. Criteria: ACMG Guidelines, 2015. Collection method: clinical testing. Allele origin: germline. Observed: 4 variant alleles.
Comment: BS1, BS2, BP4, BP7

Blueprint Genetics
Classification: Likely benign. Last evaluated: 2024-10-10. Review status: criteria provided, single submitter. Criteria: ACMG Guidelines, 2015. Collection method: clinical testing. Allele origin: germline.

Women's Health and Genetics/Laboratory Corporation of America, LabCorp
Classification: Benign. Last evaluated: 2023-11-20. Review status: criteria provided, single submitter. Criteria: LabCorp Variant Classification Summary - May 2015. Collection method: clinical testing. Allele origin: germline.

GeneDx
Classification: Likely benign. Last evaluated: 2017-11-16. Review status: criteria provided, single submitter. Criteria: GeneDx Variant Classification (06012015). Collection method: clinical testing. Allele origin: germline. Affected: yes.
Comment: This variant is considered likely benign or benign based on one or more of the following criteria: it is a conservative change, it occurs at a poorly conserved position in the protein, it is predicted to be benign by multiple in silico algorithms, and/or has population frequency not consistent with disease.

Genetic Services Laboratory, University of Chicago
Classification: Likely benign. Last evaluated: 2015-10-23. Review status: criteria provided, single submitter. Criteria: ACMG Guidelines, 2015. Collection method: clinical testing. Allele origin: germline. Affected: no.

Ambry Genetics
Classification: Likely benign for Familial thoracic aortic aneurysm and aortic dissection. Last evaluated: 2015-08-13. Review status: criteria provided, single submitter. Criteria: Ambry Variant Classification Scheme 2023. Collection method: clinical testing. Allele origin: germline.

Breakthrough Genomics
Classification: Likely benign. Review status: criteria provided, single submitter. Criteria: ACMG Guidelines, 2015. Collection method: not provided. Allele origin: germline. Inheritance: X-linked inheritance. Affected: yes.

PreventionGenetics, part of Exact Sciences
Classification: Likely benign for FLNA-related condition. Last evaluated: 2023-12-01. Review status: no assertion criteria provided. Collection method: clinical testing. Allele origin: germline. Not counted in ClinVar's aggregate classification.
Comment: This variant is classified as likely benign based on ACMG/AMP sequence variant interpretation guidelines (Richards et al. 2015 PMID: 25741868, with internal and published modifications).

Clinical Genetics DNA and cytogenetics Diagnostics Lab, Erasmus MC, Erasmus Medical Center
Classification: Likely benign. Review status: no assertion criteria provided. Collection method: clinical testing. Allele origin: germline. Affected: yes. Study: VKGL Data-share Consensus. Not counted in ClinVar's aggregate classification.

Genome Diagnostics Laboratory, University Medical Center Utrecht
Classification: Likely benign. Review status: no assertion criteria provided. Collection method: clinical testing. Allele origin: germline. Affected: yes. Study: VKGL Data-share Consensus. Not counted in ClinVar's aggregate classification.